The following is an entry in ClinVar:

ClinVar aggregate classification (germline): Uncertain significance (1 of 4 stars; one submission).

Conditions:
Congenital contractural arachnodactyly (CCA). Also called: BEALS SYNDROME; Arthrogryposis, distal, type 9; Beals-Hecht syndrome. Identifiers: Orphanet 115, MedGen C0220668, MONDO:0007363, OMIM 121050.

gnomAD v4.1: 2 of 1,613,482 alleles (0.00012%); highest among the groups gnomAD compares: Non-Finnish European, 0.00017%; no homozygotes.

Submission:

Labcorp Genetics (formerly Invitae), Labcorp
Classification: Uncertain significance for Congenital contractural arachnodactyly. Last evaluated: 2024-05-10. Review status: criteria provided, single submitter. Criteria: Invitae Variant Classification Sherloc (09022015). Collection method: clinical testing. Allele origin: germline.
Comment: This sequence change replaces leucine, which is neutral and non-polar, with phenylalanine, which is neutral and non-polar, at codon 585 of the FBN2 protein (p.Leu585Phe). This variant is present in population databases (no rsID available, gnomAD 0.0009%). This variant has not been reported in the literature in individuals affected with FBN2-related conditions. Advanced modeling of protein sequence and biophysical properties (such as structural, functional, and spatial information, amino acid conservation, physicochemical variation, residue mobility, and thermodynamic stability) has been performed at Invitae for this missense variant, however the output from this modeling did not meet the statistical confidence thresholds required to predict the impact of this variant on FBN2 protein function. In summary, the available evidence is currently insufficient to determine the role of this variant in disease. Therefore, it has been classified as a Variant of Uncertain Significance.

NM_001999.4(FBN2):c.1753C>T (p.Leu585Phe)

Gene: FBN2 (fibrillin 2; minus strand). Cytogenetic location: 5q23.3.
Variant type: single nucleotide variant.
Coding change: c.1753C>T on transcript NM_001999.4 (MANE Select); coding-DNA position 1753, C replaced by T.
Protein change: p.Leu585Phe; replaces leucine 585 with phenylalanine.
Molecular consequence: missense variant.
Genome position (GRCh38, 1-based): chr5:128,377,848, G>A on the plus strand (C>T on the coding strand, the complement: FBN2 is on the minus strand). VCF-style: chr5-128377848-G-A. GRCh37 (hg19) VCF-style: chr5-127713541-G-A.
Other names: short protein forms L585F.
Identifiers: ClinVar variation 3729851 (VCV003729851.2).